The following is an entry in ClinVar:

ClinVar aggregate classification (germline): Uncertain significance (1 of 4 stars; one submission).

Submission:

Labcorp Genetics (formerly Invitae), Labcorp
Classification: Uncertain significance. Last evaluated: 2023-02-01. Review status: criteria provided, single submitter. Criteria: Invitae Variant Classification Sherloc (09022015). Collection method: clinical testing. Allele origin: germline.
Comment: In summary, the available evidence is currently insufficient to determine the role of this variant in disease. Therefore, it has been classified as a Variant of Uncertain Significance. Advanced modeling of protein sequence and biophysical properties (such as structural, functional, and spatial information, amino acid conservation, physicochemical variation, residue mobility, and thermodynamic stability) performed at Invitae indicates that this missense variant is not expected to disrupt MYH9 protein function. This sequence change replaces glutamic acid, which is acidic and polar, with alanine, which is neutral and non-polar, at codon 1003 of the MYH9 protein (p.Glu1003Ala). This variant is not present in population databases (gnomAD no frequency). This variant has not been reported in the literature in individuals affected with MYH9-related conditions.

NM_002473.6(MYH9):c.3008A>C (p.Glu1003Ala)

Gene: MYH9 (myosin heavy chain 9; minus strand). Cytogenetic location: 22q12.3.
Variant type: single nucleotide variant.
Coding change: c.3008A>C on transcript NM_002473.6 (MANE Select); coding-DNA position 3008, A replaced by C.
Protein change: p.Glu1003Ala; replaces glutamic acid 1003 with alanine.
Molecular consequence: missense variant.
Genome position (GRCh38, 1-based): chr22:36,299,011, T>G on the plus strand (A>C on the coding strand, the complement: MYH9 is on the minus strand). VCF-style: chr22-36299011-T-G. GRCh37 (hg19) VCF-style: chr22-36695057-T-G.
Other names: short protein forms E1003A.
Identifiers: ClinVar variation 2833780 (VCV002833780.3), dbSNP rs2517968114, ClinGen allele CA411391193.